The following is an entry in ClinVar:

ClinVar aggregate classification (germline): Conflicting classifications of pathogenicity. Review status: criteria provided, conflicting classifications (1 of 4 stars). 2 submissions from 2 submitters: Uncertain significance (1); Likely benign (1). Last evaluated 2025-07-28.

Conditions:
Cardiovascular phenotype. Identifiers: MedGen CN230736.

Allele frequency attached by ClinVar (database versions not stated): ExAC 0.00003; TOPMed 0.00003; gnomAD 0.00005; 1000 Genomes Project 0.00020; 1000 Genomes Project 30x 0.00031.
gnomAD v4.1: 59 of 1,610,916 alleles (0.0037%); highest among the groups gnomAD compares: Middle Eastern, 0.017%; no homozygotes.

Submissions (2):

Women's Health and Genetics/Laboratory Corporation of America, LabCorp
Classification: Uncertain significance. Last evaluated: 2025-07-28. Review status: criteria provided, single submitter. Criteria: LabCorp Variant Classification Summary - May 2015. Collection method: clinical testing. Allele origin: germline.
Comment: Variant summary: TNXB c.7804G>A (p.Val2602Met) results in a conservative amino acid change in the encoded protein sequence. Algorithms developed to predict the effect of missense changes on protein structure and function all suggest that this variant is likely to be tolerated. The variant allele was found at a frequency of 2.5e-05 in 244578 control chromosomes. The available data on variant occurrences in the general population are insufficient to allow any conclusion about variant significance. To our knowledge, no occurrence of c.7804G>A in individuals affected with Ehlers-Danlos syndrome due to tenascin-X deficiency and no experimental evidence demonstrating its impact on protein function have been reported. ClinVar contains an entry for this variant (Variation ID: 2466116). Based on the evidence outlined above, the variant was classified as uncertain significance.

Ambry Genetics
Classification: Likely benign for Cardiovascular phenotype. Last evaluated: 2024-11-01. Review status: criteria provided, single submitter. Criteria: Ambry Variant Classification Scheme 2023. Collection method: clinical testing. Allele origin: germline.

NM_001365276.2(TNXB):c.7804G>A (p.Val2602Met)

Gene: TNXB (tenascin XB; minus strand). Cytogenetic location: 6p21.33.
Variant type: single nucleotide variant.
Coding change: c.7804G>A on transcript NM_001365276.2 (MANE Select); coding-DNA position 7804, G replaced by A.
Protein change: p.Val2602Met; replaces valine 2602 with methionine.
Molecular consequence: missense variant.
Genome position (GRCh38, 1-based): chr6:32,058,079, C>T on the plus strand (G>A on the coding strand, the complement: TNXB is on the minus strand). VCF-style: chr6-32058079-C-T. GRCh37 (hg19) VCF-style: chr6-32025856-C-T.
Other names: c.7804G>A, p.Val2602Met (NM_019105.8); short protein forms V2602M.
Identifiers: ClinVar variation 2466116 (VCV002466116.4), dbSNP rs554433216, ClinGen allele CA3734048.
Genomic context (GRCh38, chr6:32,058,079, plus strand): 5'-GGGCTGTCTTCCAACCCTGCCCCACCCACACTCACTCACCTGTGACGCCCACGGCAGACA[C>T]CGGGCCCAGGCGCCGCCCCTCGTGGAGGCCGTACAGGTGCATCTTGTACTTGCGCCCAGG-3'
Protein context (NP_001352205.1, residues 2592-2612): GLHEGRRLGP[Val2602Met]SAVGVTEDEA